The following is an entry in ClinVar:

NM_001297.5(CNGB1):c.2205_2206del (p.Arg736fs)

Gene: CNGB1 (cyclic nucleotide gated channel subunit beta 1; minus strand). Cytogenetic location: 16q21.
Variant type: Microsatellite.
Coding change: c.2205_2206del on transcript NM_001297.5 (MANE Select); coding-DNA positions 2205 to 2206, 2 bases deleted (TC; older notation c.2205_2206delTC).
Protein change: p.Arg736fs; shifts the reading frame from arginine 736.
Molecular consequence: frameshift variant.
Genome position (GRCh38, 1-based): chr16:57,916,140-57,916,141, GA deleted on the plus strand (TC on the coding strand, the reverse complement: CNGB1 is on the minus strand); deleting any 2 consecutive bases within chr16:57,916,140-57,916,143 gives the same sequence; the c. name uses the placement nearest the transcript's 3' end. VCF-style (leftmost placement, unchanged base first): chr16-57916139-CGA-C. GRCh37 (hg19) VCF-style: chr16-57950043-CGA-C.
Other names: c.2187_2188del, p.Arg730fs (NM_001286130.2); short protein forms R730fs, R736fs.
Identifiers: ClinVar variation 1452158 (VCV001452158.6), dbSNP rs2149364141, ClinGen allele CA2580613880.

ClinVar aggregate classification (germline): Pathogenic (1 of 4 stars; one submission).

Submission:

Labcorp Genetics (formerly Invitae), Labcorp
Classification: Pathogenic. Last evaluated: 2021-11-25. Review status: criteria provided, single submitter. Criteria: Invitae Variant Classification Sherloc (09022015). Collection method: clinical testing. Allele origin: germline.
Comment: This sequence change creates a premature translational stop signal (p.Arg736Profs*40) in the CNGB1 gene. It is expected to result in an absent or disrupted protein product. Loss-of-function variants in CNGB1 are known to be pathogenic (PMID: 15557452, 24043777). This variant is not present in population databases (gnomAD no frequency). This variant has not been reported in the literature in individuals affected with CNGB1-related conditions. For these reasons, this variant has been classified as Pathogenic.

Literature cited by the submitters: PubMed 15557452; PubMed 24043777.